The following is an entry in ClinVar:

ClinVar aggregate classification (germline): Uncertain significance (1 of 4 stars; one submission).

Conditions:
Aortic aneurysm, familial thoracic 6 (AAT6). Also called: FAMILIAL THORACIC AORTIC ANEURYSM WITH LIVEDO RETICULARIS AND IRIS FLOCCULI. Identifiers: MedGen C2673186, MONDO:0012730, OMIM 611788.

Submission:

Labcorp Genetics (formerly Invitae), Labcorp
Classification: Uncertain significance for Aortic aneurysm, familial thoracic 6. Last evaluated: 2026-01-12. Review status: criteria provided, single submitter. Criteria: Invitae Variant Classification Sherloc (09022015). Collection method: clinical testing. Allele origin: germline.
Comment: This sequence change replaces isoleucine, which is neutral and non-polar, with valine, which is neutral and non-polar, at codon 332 of the ACTA2 protein (p.Ile332Val). This variant is not present in population databases (gnomAD no frequency). This variant has not been reported in the literature in individuals affected with ACTA2-related conditions. ClinVar contains an entry for this variant (Variation ID: 1956427). Invitae Evidence Modeling of protein sequence and biophysical properties (such as structural, functional, and spatial information, amino acid conservation, physicochemical variation, residue mobility, and thermodynamic stability) indicates that this missense variant is not expected to disrupt ACTA2 protein function with a negative predictive value of 80%. In summary, the available evidence is currently insufficient to determine the role of this variant in disease. Therefore, it has been classified as a Variant of Uncertain Significance.

NM_001613.4(ACTA2):c.994A>G (p.Ile332Val)

Genes: ACTA2 (actin alpha 2, smooth muscle; minus strand), ACTA2-AS1 (ACTA2 antisense RNA 1; plus strand). Cytogenetic location: 10q23.31.
Variant type: single nucleotide variant.
Coding change: c.994A>G on transcript NM_001613.4 (MANE Select); coding-DNA position 994, A replaced by G.
Protein change: p.Ile332Val; replaces isoleucine 332 with valine.
Molecular consequence: missense variant. On other transcripts: non-coding transcript variant (1).
Genome position (GRCh38, 1-based): chr10:88,935,363, T>C on the plus strand (A>G on the coding strand, the complement: ACTA2 is on the minus strand). VCF-style: chr10-88935363-T-C. GRCh37 (hg19) VCF-style: chr10-90695120-T-C.
Other names: c.883A>G, p.Ile295Val (NM_001406466.1); c.865A>G, p.Ile289Val (NM_001406467.1, NM_001406468.1, NM_001406469.1); c.802A>G, p.Ile268Val (NM_001406471.1); c.994A>G, p.Ile332Val (NM_001141945.3, NM_001320855.2, NM_001406462.1 and 2 more transcripts); short protein forms I268V, I295V, I332V, I289V.
Identifiers: ClinVar variation 1956427 (VCV001956427.5), dbSNP rs2494502757, ClinGen allele CA377510624.